The following continues an entry in ClinVar:

NM_000091.5(COL4A3):c.898G>A (p.Gly300Arg)

ClinVar aggregate classification (germline): Conflicting classifications of pathogenicity. Pathogenic (8); Likely pathogenic (9); Uncertain significance (1).

Submissions 11 to 22 of 22:

Victorian Clinical Genetics Services, Murdoch Childrens Research Institute
Classification: Pathogenic for Alport syndrome. Last evaluated: 2023-07-17. Review status: criteria provided, single submitter. Criteria: ACMG Guidelines, 2015. Collection method: clinical testing. Allele origin: germline. Affected: yes.
Comment: Based on the classification scheme VCGS_Germline_v1.3.4, this variant is classified as Pathogenic. Following criteria are met: 0103 - Dominant negative and loss of function are known mechanisms of disease in this gene and are associated with Alport syndrome, MONDO:0018965, COL4A3-related. Glycine changes that are part of a G-X-Y repeat in the triple helix of a collagen domain are known to have a dominant negative effect (PMID: 12028435). (I) 0108 - This gene is associated with both recessive (Alport syndrome 2 MIM#203780) and dominant disease (Alport syndrome 3 MIM#104200 and benign familial haematuria MIM#141200) (OMIM). (I) 0200 - Variant is predicted to result in a missense amino acid change from glycine to arginine. (I) 0251 - This variant is heterozygous. (I) 0304 - Variant is present in gnomAD (v2) <0.01 (5 heterozygotes, 0 homozygotes). (SP) 0501 - Missense variant consistently predicted to be damaging by multiple in silico tools or highly conserved with a major amino acid change. (SP) 0601 - Variant is located in the well-established functional Gly-X-Y motif in the collagen triple helical domain (DECIPHER). (SP) 0801 - This variant has strong previous evidence of pathogenicity in unrelated individuals. This variant has been identified in greater than ten unrelated individuals with Alport syndrome, thin basement membrane nephropathy, haematuria and proteinuria, and found to segregate within families. This variant has also been classified as a VUS (ClinVar, PMID: 32647767, PMID: 25575550, PMID: 26809805). (SP) 1208 - Inheritance information for this variant is not currently available in this individual. (I) Legend: (SP) - Supporting pathogenic, (I) - Information, (SB) - Supporting benign

Blueprint Genetics
Classification: Likely pathogenic for COL4A3-related disorders. Last evaluated: 2023-01-27. Review status: criteria provided, single submitter. Criteria: ACMG Guidelines, 2015. Collection method: clinical testing. Allele origin: germline. Affected: yes. Observed: 3 variant alleles.

MGZ Medical Genetics Center
Classification: Likely pathogenic for Hematuria, benign familial, 1. Last evaluated: 2022-07-22. Review status: criteria provided, single submitter. Criteria: ACMG Guidelines, 2015. Collection method: clinical testing. Allele origin: germline. Affected: yes. Observed: 2 variant alleles.
Comment: ACMG criteria applied: PM1_STR, PM3, PS4_SUP, PM2_SUP, PP3

Institute of Human Genetics Munich, TUM University Hospital
Classification: Likely pathogenic for Autosomal dominant Alport syndrome. Last evaluated: 2022-03-17. Review status: criteria provided, single submitter. Criteria: Classification criteria August 2017. Collection method: clinical testing. Allele origin: germline. Inheritance: Autosomal dominant inheritance. Affected: yes. Observed: 1 variant allele.

Genetics and Molecular Pathology, SA Pathology
Classification: Likely pathogenic for Alport syndrome. Last evaluated: 2021-05-21. Review status: criteria provided, single submitter. Criteria: ACMG Guidelines, 2015. Collection method: clinical testing. Allele origin: germline. Affected: yes.
Comment: The COL4A3 c.898G>A variant is classified as a LIKELY PATHOGENIC variant (PS4, PP3, PP4, PP5) This variant is a single nucleotide change from a guanine to an adenine at position 898 which is predicted to change the Glycine at position 300 in the protein to Arginine. The variant is in exon 16 and is located in collagen triple helix repeat protein domain of the COL4A3 gene. The variant has been reported in multiple individuals and families with Alport syndrome (PMID:2557550, 32647767). The prevalence of this variant in affected individuals is increasd compated with the prevalence in controls (PS4). The variant is in dbSNP (rs772708743) but is rare in population databases (gnomAD 5/249426, 0 homozygote). The variant has been reported in ClinVar (Variation ID: 562427) and HGMD (Accession No: CM151508) as Pathogenic/Likely pathogenic (PP5). Computational predictions support a deleterious effect on the gene or gene product (PP3). Patient's phenotype is highly specific for Alport syndrome with a single genetic etiology (PP4).

CeGaT Center for Human Genetics Tuebingen
Classification: Pathogenic. Last evaluated: 2020-10-01. Review status: criteria provided, single submitter. Criteria: CeGaT Center For Human Genetics Tuebingen Variant Classification Criteria Version 2. Collection method: clinical testing. Allele origin: germline. Affected: yes. Observed: 5 variant alleles.

Department of Nephrology, Rheumatology and Immunology, Shanghai Children's Hospital
Classification: Uncertain significance for Autosomal dominant Alport syndrome. Last evaluated: 2015-07-11. Review status: criteria provided, single submitter. Criteria: ACMG Guidelines, 2015. Collection method: clinical testing. Allele origin: maternal. Affected: yes. Observed: 1 variant allele.
Comment: The NM_000091.5(COL4A3):c.898G>A (p.Gly300Arg) is a missense variant located in a Gly-X-Y repeat of the collagenous domain of COL4A3. This variant is reported to have an extremely low frequency in the gnomAD v3.1.2 (GRCh38) population database (PM2). Computational tools, including SIFT and PolyPhen, predict this variant to have a deleterious effect on the protein product (PP3). In summary, this variant meets criteria to be classified as Uncertain Significance for Alport syndrome based on the ACMG/AMP 2015 criteria applied: PM2, PP3, PP4.

Clinical Genetics Service, Universitary Hospital 12 de Octubre
Classification: Likely pathogenic for Autosomal dominant Alport syndrome; Alport syndrome 3b, autosomal recessive. Review status: criteria provided, single submitter. Criteria: ACMG Guidelines, 2015. Collection method: clinical testing. Allele origin: germline. Affected: yes.

PreventionGenetics, part of Exact Sciences
Classification: Pathogenic for COL4A3-related condition. Last evaluated: 2024-04-23. Review status: no assertion criteria provided. Collection method: clinical testing. Allele origin: germline. Not counted in ClinVar's aggregate classification.
Comment: The COL4A3 c.898G>A variant is predicted to result in the amino acid substitution p.Gly300Arg. This variant has been reported in the heterozygous state in individuals with Alport syndrome (Mencarelli et al. 2015. PubMed ID: 25575550; Weber et al. 2016. PubMed ID: 26809805; Groopman et al. 2018. PubMed ID: 30586318. Table S7; Rao et al. 2019. PubMed ID: 31328266. Table S3). This variant has also been reported in individuals in a family with IgA nephropathy (Li et al. 2020. PubMed ID: 32647767). Furthermore, the p.Gly300Arg variant affects a Gly residue of the conserved triple helical domain, where substitutions of the glycine are usually pathogenic (Mariyama et al. 1994. PubMed: 8083201; Savige et al. 2021. PubMed: 33854215; Gibson et al. 2022. PubMed: 35177655). This variant is reported in 0.0065% of alleles in individuals of African descent in gnomAD. This variant is interpreted as pathogenic.

Bioscientia Institut fuer Medizinische Diagnostik GmbH, Sonic Healthcare
Classification: Pathogenic for Autosomal dominant Alport syndrome. Last evaluated: 2018-10-29. Review status: no assertion criteria provided. Collection method: clinical testing. Allele origin: germline. Affected: yes. Not counted in ClinVar's aggregate classification.

Gharavi Laboratory, Columbia University
Classification: Likely pathogenic. Last evaluated: 2018-09-16. Review status: no assertion criteria provided. Criteria: ACMG Guidelines, 2015. Collection method: research. Allele origin: germline. Affected: yes. Not counted in ClinVar's aggregate classification.

Dubai Health Genomic Medicine Center, Dubai Health
Classification: Uncertain significance. Last evaluated: 2020-02-20. Review status: flagged submission. Criteria: ACMG Guidelines, 2015. Collection method: clinical testing. Allele origin: germline. Affected: yes. Not counted in ClinVar's aggregate classification.
ClinVar note: Reason: Outlier claim with insufficient supporting evidence

Literature cited by the submitters: PubMed 2557550 (cited by Centre de Génétique Humaine, Institut de Pathologie Et de Génétique and Genetics and Molecular Pathology, SA Pathology); PubMed 32647767 (cited by 5 submitters); PubMed 33838161 (cited by Centre de Génétique Humaine, Institut de Pathologie Et de Génétique); PubMed 38514012 (cited by Centre de Génétique Humaine, Institut de Pathologie Et de Génétique); PubMed 40806767 (cited by Centre de Génétique Humaine, Institut de Pathologie Et de Génétique and Natera, Inc.); PubMed 41872207 (cited by Centre de Génétique Humaine, Institut de Pathologie Et de Génétique); PubMed 28780565 (cited by 3 submitters); PubMed 31328266 (cited by 3 submitters); PubMed 30586318 (cited by 3 submitters); PubMed 26809805 (cited by 5 submitters); PubMed 39810285 (cited by Natera, Inc.); PubMed 25575550 (cited by 5 submitters); PubMed 36130833 (cited by Mayo Clinic Laboratories, Mayo Clinic); PubMed 12028435 (cited by Victorian Clinical Genetics Services, Murdoch Childrens Research Institute).